The following is an entry in ClinVar:

NM_001283009.2(RTEL1):c.2714A>C (p.Gln905Pro)

Genes: RTEL1-TNFRSF6B (RTEL1-TNFRSF6B readthrough (NMD candidate); plus strand), RTEL1 (regulator of telomere elongation helicase 1; plus strand). Cytogenetic location: 20q13.33.
Variant type: single nucleotide variant.
Coding change: c.2714A>C on transcript NM_001283009.2 (MANE Select); coding-DNA position 2714, A replaced by C.
Protein change: p.Gln905Pro; replaces glutamine 905 with proline.
Molecular consequence: missense variant. On other transcripts: non-coding transcript variant (1).
Genome position (GRCh38, 1-based): chr20:63,692,866, A>C. VCF-style: chr20-63692866-A-C. GRCh37 (hg19) VCF-style: chr20-62324219-A-C.
Other names: c.2045A>C, p.Gln682Pro (NM_001283010.1); c.2714A>C, p.Gln905Pro (NM_016434.4); c.2786A>C, p.Gln929Pro (NM_032957.5); short protein forms Q682P, Q905P, Q929P.
Identifiers: ClinVar variation 1025690 (VCV001025690.8), dbSNP rs2090786703, ClinGen allele CA409682894.

ClinVar aggregate classification (germline): Uncertain significance (1 of 4 stars; one submission).

Conditions:
Dyskeratosis congenita, autosomal recessive 5 (DKCB5). Identifiers: MedGen C3554656, MONDO:0014076, OMIM 615190.
Pulmonary fibrosis and/or bone marrow failure, Telomere-related, 3. Also called: PULMONARY FIBROSIS AND/OR BONE MARROW FAILURE SYNDROME, TELOMERE-RELATED, 3. Identifiers: Orphanet 2032, MedGen C4225346, MONDO:0014613, OMIM 616373.

Allele frequency attached by ClinVar (database versions not stated): gnomAD exomes below 0.00001.
gnomAD v4.1: 1 of 1,612,662 alleles (0.000062%); highest among the groups gnomAD compares: Non-Finnish European, 0.000085%; no homozygotes.

Submission:

Labcorp Genetics (formerly Invitae), Labcorp
Classification: Uncertain significance for Dyskeratosis congenita, autosomal recessive 5; Pulmonary fibrosis and/or bone marrow failure, Telomere-related, 3. Last evaluated: 2024-03-07. Review status: criteria provided, single submitter. Criteria: Invitae Variant Classification Sherloc (09022015). Collection method: clinical testing. Allele origin: germline.
Comment: This sequence change replaces glutamine, which is neutral and polar, with proline, which is neutral and non-polar, at codon 905 of the RTEL1 protein (p.Gln905Pro). This variant is not present in population databases (gnomAD no frequency). This variant has not been reported in the literature in individuals affected with RTEL1-related conditions. ClinVar contains an entry for this variant (Variation ID: 1025690). An algorithm developed to predict the effect of missense changes on protein structure and function (PolyPhen-2) suggests that this variant is likely to be disruptive. In summary, the available evidence is currently insufficient to determine the role of this variant in disease. Therefore, it has been classified as a Variant of Uncertain Significance.